The following is an entry in ClinVar:

ClinVar aggregate classification (germline): Uncertain significance (1 of 4 stars; one submission).

gnomAD v4.1: 7 of 1,614,068 alleles (0.00043%); highest among the groups gnomAD compares: Non-Finnish European, 0.00051%; no homozygotes.

Submission:

GeneDx
Classification: Uncertain significance. Last evaluated: 2023-07-28. Review status: criteria provided, single submitter. Criteria: GeneDx Variant Classification Process June 2021. Collection method: clinical testing. Allele origin: germline. Affected: yes.
Comment: Not observed at significant frequency in large population cohorts (gnomAD); In silico analysis supports that this missense variant does not alter protein structure/function; Has not been previously published as pathogenic or benign to our knowledge

NM_016333.4(SRRM2):c.745C>G (p.Arg249Gly)

Gene: SRRM2 (serine/arginine repetitive matrix 2; plus strand). Cytogenetic location: 16p13.3.
Variant type: single nucleotide variant.
Coding change: c.745C>G on transcript NM_016333.4 (MANE Select); coding-DNA position 745, C replaced by G.
Protein change: p.Arg249Gly; replaces arginine 249 with glycine.
Molecular consequence: missense variant.
Genome position (GRCh38, 1-based): chr16:2,759,573, C>G. VCF-style: chr16-2759573-C-G. GRCh37 (hg19) VCF-style: chr16-2809574-C-G.
Other names: short protein forms R249G.
Identifiers: ClinVar variation 3361484 (VCV003361484.1).